The following is an entry in ClinVar:

ClinVar aggregate classification (germline): Uncertain significance. Review status: criteria provided, multiple submitters, no conflicts (2 of 4 stars). 2 submissions from 2 submitters: Uncertain significance (2). Last evaluated 2025-09-24.

Allele frequency attached by ClinVar (database versions not stated): gnomAD 0.00001; gnomAD exomes 0.00001; TOPMed 0.00003; ExAC 0.00008.
gnomAD v4.1: 21 of 1,599,068 alleles (0.0013%); highest among the groups gnomAD compares: Admixed American, 0.035%; no homozygotes.

Submissions (2):

Labcorp Genetics (formerly Invitae), Labcorp
Classification: Uncertain significance. Last evaluated: 2025-09-24. Review status: criteria provided, single submitter. Criteria: Invitae Variant Classification Sherloc (09022015). Collection method: clinical testing. Allele origin: germline.
Comment: This sequence change replaces glutamic acid, which is acidic and polar, with aspartic acid, which is acidic and polar, at codon 171 of the IFT57 protein (p.Glu171Asp). This variant is present in population databases (rs769253401, gnomAD 0.06%), and has an allele count higher than expected for a pathogenic variant. This variant has not been reported in the literature in individuals affected with IFT57-related conditions. ClinVar contains an entry for this variant (Variation ID: 1896381). An algorithm developed to predict the effect of missense changes on protein structure and function (PolyPhen-2) suggests that this variant is likely to be tolerated. In summary, the available evidence is currently insufficient to determine the role of this variant in disease. Therefore, it has been classified as a Variant of Uncertain Significance.

Ambry Genetics
Classification: Uncertain significance. Last evaluated: 2024-04-01. Review status: criteria provided, single submitter. Criteria: Ambry Variant Classification Scheme 2023. Collection method: clinical testing. Allele origin: germline.

NM_018010.4(IFT57):c.513A>C (p.Glu171Asp)

Gene: IFT57 (intraflagellar transport 57; minus strand). Cytogenetic location: 3q13.13.
Variant type: single nucleotide variant.
Coding change: c.513A>C on transcript NM_018010.4 (MANE Select); coding-DNA position 513, A replaced by C.
Protein change: p.Glu171Asp; replaces glutamic acid 171 with aspartic acid.
Molecular consequence: missense variant.
Genome position (GRCh38, 1-based): chr3:108,214,003, T>G on the plus strand (A>C on the coding strand, the complement: IFT57 is on the minus strand). VCF-style: chr3-108214003-T-G. GRCh37 (hg19) VCF-style: chr3-107932850-T-G.
Other names: c.513A>C (NM_018010.3); short protein forms E171D.
Identifiers: ClinVar variation 1896381 (VCV001896381.6), dbSNP rs769253401, ClinGen allele CA2526680.